The following is an entry in ClinVar:

ClinVar aggregate classification (germline): Benign/Likely benign. Review status: criteria provided, multiple submitters, no conflicts (2 of 4 stars). 2 submissions from 2 submitters: Benign (1); Likely benign (1). Last evaluated 2026-07-09.

Conditions:
Rhabdoid tumor predisposition syndrome 2 (RTPS2). Identifiers: Orphanet 231108, Orphanet 69077, MedGen C2750074, MONDO:0013224, OMIM 613325.

Allele frequency attached by ClinVar (database versions not stated): TOPMed below 0.00001.

Submissions (2):

Myriad Genetics, Inc.
Classification: Benign for Rhabdoid tumor predisposition syndrome 2. Last evaluated: 2026-07-09. Review status: criteria provided, single submitter. Criteria: Myriad Autosomal Dominant, Autosomal Recessive and X-Linked Classification Criteria (2023). Collection method: clinical testing. Allele origin: unknown.
Comment: This variant is considered benign. This variant is a silent/synonymous amino acid change and it is not expected to impact splicing.

Labcorp Genetics (formerly Invitae), Labcorp
Classification: Likely benign for Rhabdoid tumor predisposition syndrome 2. Last evaluated: 2025-02-12. Review status: criteria provided, single submitter. Criteria: Invitae Variant Classification Sherloc (09022015). Collection method: clinical testing. Allele origin: germline.

NM_003072.5(SMARCA4):c.864C>G (p.Pro288=)

Gene: SMARCA4 (SWI/SNF related BAF chromatin remodeling complex subunit ATPase 4; plus strand). Cytogenetic location: 19p13.2.
Variant type: single nucleotide variant.
Coding change: c.864C>G on transcript NM_003072.5 (MANE Select); coding-DNA position 864, C replaced by G.
Protein change: p.Pro288=; no amino-acid change (proline 288 retained).
Molecular consequence: synonymous variant. On other transcripts: non-coding transcript variant (1).
Genome position (GRCh38, 1-based): chr19:10,987,670, C>G. VCF-style: chr19-10987670-C-G. GRCh37 (hg19) VCF-style: chr19-11098346-C-G.
Other names: c.864C>G, p.Pro288= (NM_001128844.3, NM_001128845.2, NM_001128846.2 and 5 more transcripts).
Identifiers: ClinVar variation 537873 (VCV000537873.9), dbSNP rs1555754759, ClinGen allele CA505489438.